The following is an entry in ClinVar:

NM_000243.3(MEFV):c.796A>G (p.Lys266Glu)

Gene: MEFV (MEFV innate immunity regulator, pyrin; minus strand). Cytogenetic location: 16p13.3.
Variant type: single nucleotide variant.
Coding change: c.796A>G on transcript NM_000243.3 (MANE Select); coding-DNA position 796, A replaced by G.
Protein change: p.Lys266Glu; replaces lysine 266 with glutamic acid.
Molecular consequence: missense variant. On other transcripts: intron variant (1).
Genome position (GRCh38, 1-based): chr16:3,254,272, T>C on the plus strand (A>G on the coding strand, the complement: MEFV is on the minus strand). VCF-style: chr16-3254272-T-C. GRCh37 (hg19) VCF-style: chr16-3304272-T-C.
Other names: c.277+2039A>G (NM_001198536.2); short protein forms K266E.
Identifiers: ClinVar variation 234436 (VCV000234436.4), dbSNP rs755178462, ClinGen allele CA7860328.

ClinVar aggregate classification (germline): Uncertain significance. Review status: criteria provided, multiple submitters, no conflicts (2 of 4 stars). 3 submissions from 3 submitters: Uncertain significance (2). 1 of the submissions does not count toward it. Last evaluated 2024-05-24.

Conditions:
Familial Mediterranean fever (FMF). Also called: POLYSEROSITIS, FAMILIAL PAROXYSMAL; POLYSEROSITIS, RECURRENT; Periodic peritonitis; Benign paroxysmal peritonitis. Identifiers: Orphanet 342, MedGen C0031069, MONDO:0018088, OMIM 249100. Disease mechanism: gain of function.
Familial Mediterranean fever, autosomal dominant. Also called: Dominant Familial Mediterranean Fever; FMF, AUTOSOMAL DOMINANT. Identifiers: Orphanet 342, MedGen C1851347, MONDO:0007601, OMIM 134610.
Acute febrile neutrophilic dermatosis (AFND). Also called: Sweet Syndrome; Gomm Button disease. Identifiers: Orphanet 3243, MedGen C0085077, MONDO:0011959, OMIM 608068.

Allele frequency attached by ClinVar (database versions not stated): ExAC 0.00002; TOPMed 0.00006; gnomAD exomes 0.00001; gnomAD 0.00005 and 0.00006.
gnomAD v4.1: 18 of 1,614,142 alleles (0.0011%); highest among the groups gnomAD compares: African/African-American, 0.019%; no homozygotes.

Submissions (3):

Fulgent Genetics
Classification: Uncertain significance for Familial Mediterranean fever, autosomal dominant; Familial Mediterranean fever; Acute febrile neutrophilic dermatosis. Last evaluated: 2024-05-24. Review status: criteria provided, single submitter. Criteria: ACMG Guidelines, 2015. Collection method: clinical testing. Allele origin: germline.

GeneDx
Classification: Uncertain significance. Last evaluated: 2015-06-23. Review status: criteria provided, single submitter. Criteria: GeneDx Variant Classification (06012015). Collection method: clinical testing. Allele origin: germline. Affected: yes.
Comment: The K266E variant has not been published as a mutation, nor has it been reported as a benign polymorphism to our knowledge. K266E is a non-conservative amino acid substitution, which is likely to impact secondary protein structure as these residues differ in polarity, charge, size and/or other properties. This substitution occurs at a position that is not conserved and in-silico analysis predicts this variant likely does not alter the protein structure/function. However, missense mutations in nearby residues (I259V, T267I, A268V) have been reported in the Human Gene Mutation Database in association with familial Mediterranean fevers (Stenson et al., 2014), supporting the functional importance of this region of the protein. Therefore, based on the currently available information, it is unclear whether this variant is a pathogenic mutation or a rare benign variant.

Natera, Inc.
Classification: Uncertain significance for Familial Mediterranean fever. Last evaluated: 2020-07-09. Review status: no assertion criteria provided. Collection method: clinical testing. Allele origin: germline. Not counted in ClinVar's aggregate classification.